The following is an entry in ClinVar:

ClinVar aggregate classification (germline): Uncertain significance (1 of 4 stars; one submission).

gnomAD v4.1: 64 of 1,614,036 alleles (0.004%); highest among the groups gnomAD compares: South Asian, 0.067%; 1 homozygote.

Submission:

Labcorp Genetics (formerly Invitae), Labcorp
Classification: Uncertain significance. Last evaluated: 2025-12-08. Review status: criteria provided, single submitter. Criteria: Invitae Variant Classification Sherloc (09022015). Collection method: clinical testing. Allele origin: germline.
Comment: This sequence change replaces cysteine, which is neutral and slightly polar, with glycine, which is neutral and non-polar, at codon 427 of the KRT10 protein (p.Cys427Gly). This variant is present in population databases (rs746054540, gnomAD 0.07%). This variant has not been reported in the literature in individuals affected with KRT10-related conditions. Invitae Evidence Modeling of protein sequence and biophysical properties (such as structural, functional, and spatial information, amino acid conservation, physicochemical variation, residue mobility, and thermodynamic stability) indicates that this missense variant is not expected to disrupt KRT10 protein function with a negative predictive value of 80%. In summary, the available evidence is currently insufficient to determine the role of this variant in disease. Therefore, it has been classified as a Variant of Uncertain Significance.

NM_000421.5(KRT10):c.1279T>G (p.Cys427Gly)

Genes: KRT10 (keratin 10; minus strand), KRT10-AS1 (KRT10 antisense RNA 1; plus strand). Cytogenetic location: 17q21.2.
Variant type: single nucleotide variant.
Coding change: c.1279T>G on transcript NM_000421.5 (MANE Select); coding-DNA position 1279, T replaced by G.
Protein change: p.Cys427Gly; replaces cysteine 427 with glycine.
Molecular consequence: missense variant.
Genome position (GRCh38, 1-based): chr17:40,819,611, A>C on the plus strand (T>G on the coding strand, the complement: KRT10 is on the minus strand). VCF-style: chr17-40819611-A-C. GRCh37 (hg19) VCF-style: chr17-38975863-A-C.
Other names: c.1279T>G, p.Cys427Gly (NM_001379366.1); short protein forms C427G.
Identifiers: ClinVar variation 4754436 (VCV004754436.1).